The following is an entry in ClinVar:

ClinVar aggregate classification (germline): Uncertain significance. Review status: criteria provided, multiple submitters, no conflicts (2 of 4 stars). 2 submissions from 2 submitters: Uncertain significance (2). Last evaluated 2025-07-02.

Conditions:
Inborn genetic diseases. Identifiers: MedGen C0950123, MeSH D030342.
Microcephalic primordial dwarfism due to RTTN deficiency (MSSP). Also called: MICROCEPHALY, SHORT STATURE, AND POLYMICROGYRIA; Microcephaly, short stature, and polymicrogyria with or without seizures. Identifiers: Orphanet 468631, MedGen C3553831, MONDO:0018764, OMIM 614833.

Allele frequency attached by ClinVar (database versions not stated): TOPMed below 0.00001; gnomAD exomes 0.00001.
gnomAD v4.1: 3 of 1,612,336 alleles (0.00019%); highest among the groups gnomAD compares: Admixed American, 0.005%; no homozygotes.

Submissions (2):

Ambry Genetics
Classification: Uncertain significance for Inborn genetic diseases. Last evaluated: 2025-07-02. Review status: criteria provided, single submitter. Criteria: Ambry Variant Classification Scheme 2023. Collection method: clinical testing. Allele origin: germline.

Baylor Genetics
Classification: Uncertain significance for Microcephalic primordial dwarfism due to RTTN deficiency. Last evaluated: 2019-10-12. Review status: criteria provided, single submitter. Criteria: ACMG Guidelines, 2015. Collection method: clinical testing. Allele origin: unknown. Affected: yes.
Comment: This variant was determined to be of uncertain significance according to ACMG Guidelines, 2015 [PMID:25741868].

NM_173630.4(RTTN):c.4028G>A (p.Ser1343Asn)

Gene: RTTN (rotatin; minus strand). Cytogenetic location: 18q22.2.
Variant type: single nucleotide variant.
Coding change: c.4028G>A on transcript NM_173630.4 (MANE Select); coding-DNA position 4028, G replaced by A.
Protein change: p.Ser1343Asn; replaces serine 1343 with asparagine.
Molecular consequence: missense variant.
Genome position (GRCh38, 1-based): chr18:70,092,680, C>T on the plus strand (G>A on the coding strand, the complement: RTTN is on the minus strand). VCF-style: chr18-70092680-C-T. GRCh37 (hg19) VCF-style: chr18-67759916-C-T.
Other names: c.1292G>A, p.Ser431Asn (NM_001318520.2); short protein forms S431N, S1343N.
Identifiers: ClinVar variation 1031273 (VCV001031273.2), dbSNP rs1183679390, ClinGen allele CA402685808.
Genomic context (GRCh38, chr18:70,092,680, plus strand): 5'-CAGCACATTCCCTTTCAAGCAAATGTTCAGAAGATAGACAGCTTTAACGCGCTCACCAAG[C>T]TCCCAGCCTGGGCCATCATCTCATGGGATAAGTGAAGCAAGCAAAGAATTGTGCTCTTTG-3'
Protein context (NP_775901.3, residues 1333-1353): LSHEMMAQAG[Ser1343Asn]LEWMSLWFLP